The following is an entry in ClinVar:

ClinVar aggregate classification (germline): Uncertain significance. Review status: criteria provided, multiple submitters, no conflicts (2 of 4 stars). 3 submissions from 3 submitters: Uncertain significance (3). Last evaluated 2024-09-06.

Conditions:
Inborn genetic diseases. Identifiers: MedGen C0950123, MeSH D030342.
Combined immunodeficiency due to LRBA deficiency. Also called: Common variable immunodeficiency 8, with autoimmunity. Identifiers: Orphanet 445018, MedGen C3553512, MONDO:0013863, OMIM 614700.

Allele frequency attached by ClinVar (database versions not stated): gnomAD exomes below 0.00001 and 0.00001; gnomAD 0.00001; TOPMed 0.00001.
gnomAD v4.1: 6 of 1,614,062 alleles (0.00037%); highest among the groups gnomAD compares: Admixed American, 0.0033%; no homozygotes.

Submissions (3):

Labcorp Genetics (formerly Invitae), Labcorp
Classification: Uncertain significance for Combined immunodeficiency due to LRBA deficiency. Last evaluated: 2024-09-06. Review status: criteria provided, single submitter. Criteria: Invitae Variant Classification Sherloc (09022015). Collection method: clinical testing. Allele origin: germline.
Comment: This sequence change replaces asparagine, which is neutral and polar, with aspartic acid, which is acidic and polar, at codon 1248 of the LRBA protein (p.Asn1248Asp). This variant is present in population databases (no rsID available, gnomAD 0.01%). This variant has not been reported in the literature in individuals affected with LRBA-related conditions. ClinVar contains an entry for this variant (Variation ID: 1525073). Invitae Evidence Modeling of protein sequence and biophysical properties (such as structural, functional, and spatial information, amino acid conservation, physicochemical variation, residue mobility, and thermodynamic stability) indicates that this missense variant is not expected to disrupt LRBA protein function with a negative predictive value of 80%. In summary, the available evidence is currently insufficient to determine the role of this variant in disease. Therefore, it has been classified as a Variant of Uncertain Significance.

GeneDx
Classification: Uncertain significance. Last evaluated: 2022-07-28. Review status: criteria provided, single submitter. Criteria: GeneDx Variant Classification Process June 2021. Collection method: clinical testing. Allele origin: germline. Affected: yes.
Comment: In silico analysis supports that this missense variant does not alter protein structure/function; Has not been previously published as pathogenic or benign to our knowledge

Ambry Genetics
Classification: Uncertain significance for Inborn genetic diseases. Last evaluated: 2021-10-26. Review status: criteria provided, single submitter. Criteria: Ambry Variant Classification Scheme 2023. Collection method: clinical testing. Allele origin: germline.

NM_001364905.1(LRBA):c.3742A>G (p.Asn1248Asp)

Gene: LRBA (LPS responsive beige-like anchor protein; minus strand). Cytogenetic location: 4q31.3.
Variant type: single nucleotide variant.
Coding change: c.3742A>G on transcript NM_001364905.1 (MANE Select); coding-DNA position 3742, A replaced by G.
Protein change: p.Asn1248Asp; replaces asparagine 1248 with aspartic acid.
Molecular consequence: missense variant.
Genome position (GRCh38, 1-based): chr4:150,851,968, T>C on the plus strand (A>G on the coding strand, the complement: LRBA is on the minus strand). VCF-style: chr4-150851968-T-C. GRCh37 (hg19) VCF-style: chr4-151773120-T-C.
Other names: c.3742A>G, p.Asn1248Asp (NM_001199282.3, NM_001367550.1, NM_006726.5); short protein forms N1248D.
Identifiers: ClinVar variation 1525073 (VCV001525073.9), dbSNP rs1030048061, ClinGen allele CA107813869.